The following is an entry in ClinVar:

ClinVar aggregate classification (germline): Pathogenic. Review status: criteria provided, single submitter (1 of 4 stars). 3 submissions from 2 submitters: Pathogenic (1). 2 of the submissions do not count toward it. Last evaluated 2023-12-07.

Conditions:
Developmental and epileptic encephalopathy 115. Identifiers: MedGen C5935604, MONDO:0968946, OMIM 620783.
SNF8-associated disease. Also called: SNF8-associated disorder.

Allele frequency attached by ClinVar (database versions not stated): gnomAD exomes below 0.00001; TOPMed below 0.00001.
gnomAD v4.1: 5 of 1,612,630 alleles (0.00031%); highest among the groups gnomAD compares: Non-Finnish European, 0.00034%; no homozygotes.

Submissions (3):

Institute of Human Genetics Munich, TUM University Hospital
Classification: Pathogenic for SNF8-associated disorder. Last evaluated: 2023-12-07. Review status: criteria provided, single submitter. Criteria: Classification criteria August 2017. Collection method: clinical testing. Allele origin: paternal. Inheritance: Autosomal recessive inheritance. Affected: yes. Observed: 1 variant allele.

OMIM
Classification: Pathogenic for DEVELOPMENTAL AND EPILEPTIC ENCEPHALOPATHY 115. Last evaluated: 2024-04-10. Review status: no assertion criteria provided. Collection method: literature only. Allele origin: germline. Not counted in ClinVar's aggregate classification.

Institute of Human Genetics Munich, TUM University Hospital
Classification: Pathogenic for SNF8-associated disease. Last evaluated: 2023-12-07. Review status: flagged submission. Criteria: Classification criteria August 2017. Collection method: research. Allele origin: biparental. Affected: yes. Not counted in ClinVar's aggregate classification.
ClinVar note: Reason: This record appears to be redundant with a more recent record from the same submitter.
ClinVar note: Notes: SCV004174809 appears to be redundant with SCV006302726.

Literature cited by the submitters: PubMed 38423010 (cited by OMIM).

NM_007241.4(SNF8):c.572G>A (p.Gly191Asp)

Gene: SNF8 (SNF8 subunit of ESCRT-II; minus strand). Cytogenetic location: 17q21.32.
Variant type: single nucleotide variant.
Coding change: c.572G>A on transcript NM_007241.4 (MANE Select); coding-DNA position 572, G replaced by A.
Protein change: p.Gly191Asp; replaces glycine 191 with aspartic acid.
Molecular consequence: missense variant. On other transcripts: non-coding transcript variant (1).
Genome position (GRCh38, 1-based): chr17:48,931,710, C>T on the plus strand (G>A on the coding strand, the complement: SNF8 is on the minus strand). VCF-style: chr17-48931710-C-T. GRCh37 (hg19) VCF-style: chr17-47009072-C-T.
Other names: c.569G>A, p.Gly190Asp (NM_001317192.2); c.521G>A, p.Gly174Asp (NM_001317193.2); c.260G>A, p.Gly87Asp (NM_001317194.2); short protein forms G174D, G190D, G191D, G87D.
Identifiers: ClinVar variation 2664479 (VCV002664479.7), dbSNP rs2040862241, ClinGen allele CA400122273.